The following is an entry in ClinVar:

ClinVar aggregate classification (germline): Uncertain significance (1 of 4 stars; one submission).

Conditions:
PIEZO1-related disorder. Also called: PIEZO1-related condition; PIEZO1-Related Disorders.

Allele frequency attached by ClinVar (database versions not stated): gnomAD 0.00001; TOPMed 0.00001.
gnomAD v4.1: 9 of 1,550,386 alleles (0.00058%); highest among the groups gnomAD compares: South Asian, 0.0024%; no homozygotes.

Submission:

PreventionGenetics, part of Exact Sciences
Classification: Uncertain significance for PIEZO1-related condition. Last evaluated: 2022-09-13. Review status: criteria provided, single submitter. Criteria: ACMG Guidelines, 2015. Collection method: clinical testing. Allele origin: germline.
Comment: The PIEZO1 c.6055C>T variant is predicted to result in the amino acid substitution p.Arg2019Cys. To our knowledge, this variant has not been reported in the literature or in a large population database, indicating this variant is rare. At this time, the clinical significance of this variant is uncertain due to the absence of conclusive functional and genetic evidence.

NM_001142864.4(PIEZO1):c.6055C>T (p.Arg2019Cys)

Gene: PIEZO1 (piezo type mechanosensitive ion channel component 1 (Er blood group); minus strand). Cytogenetic location: 16q24.3.
Variant type: single nucleotide variant.
Coding change: c.6055C>T on transcript NM_001142864.4 (MANE Select); coding-DNA position 6055, C replaced by T.
Protein change: p.Arg2019Cys; replaces arginine 2019 with cysteine.
Molecular consequence: missense variant.
Genome position (GRCh38, 1-based): chr16:88,720,178, G>A on the plus strand (C>T on the coding strand, the complement: PIEZO1 is on the minus strand). VCF-style: chr16-88720178-G-A. GRCh37 (hg19) VCF-style: chr16-88786586-G-A.
Other names: c.4597C>T, p.Arg1533Cys (NM_014745.1); short protein forms R1533C, R2019C.
Identifiers: ClinVar variation 2636274 (VCV002636274.1), dbSNP rs1912329001, ClinGen allele CA397085915.
Genomic context (GRCh38, chr16:88,720,178, plus strand): 5'-GCACCAGCGCCACCTGGAAGGCCAGCTTGCCCAGCACGGTCTTGCGCAGGTAGAGGGCGC[G>A]GTCAACCACCATGGTACTGAACTGGATCAGCAGCATGACCAGGAAAGCCTCGGGTACCTG-3'
Protein context (NP_001136336.2, residues 2009-2029): LIQFSTMVVD[Arg2019Cys]ALYLRKTVLG